The following is an entry in ClinVar:

ClinVar aggregate classification (germline): Likely pathogenic (1 of 4 stars; one submission).

Conditions:
MDFIC-related disorder. Also called: MDFIC-related condition.

Submission:

PreventionGenetics, part of Exact Sciences
Classification: Likely pathogenic for MDFIC-related condition. Last evaluated: 2026-01-24. Review status: criteria provided, single submitter. Criteria: ACMG Guidelines, 2015. Collection method: clinical testing. Allele origin: germline.
Comment: The MDFIC c.220+1G>A variant is predicted to disrupt the GT donor site and interfere with normal splicing. To our knowledge, this variant has not been reported in the literature or in a large population database (gnomAD), indicating this variant is rare. Variants that disrupt the consensus splice donor site in MDFIC are expected to be pathogenic. This variant is interpreted as likely pathogenic.

NM_001166345.3(MDFIC):c.-108+1G>A

Genes: MDFIC (MyoD family inhibitor domain containing; plus strand), LOC129999151 (ATAC-STARR-seq lymphoblastoid silent region 18550; plus strand). Cytogenetic location: 7q31.1.
Variant type: single nucleotide variant.
Coding change: c.-108+1G>A on transcript NM_001166345.3 (MANE Select); the canonical splice donor site of the intron after 108 bases upstream of the start codon, G replaced by A.
Molecular consequence: splice donor variant.
Genome position (GRCh38, 1-based): chr7:114,922,637, G>A. VCF-style: chr7-114922637-G-A. GRCh37 (hg19) VCF-style: chr7-114562692-G-A.
Other names: c.220+1G>A (NM_199072.5, NM_001166346.1).
Identifiers: ClinVar variation 4992922 (VCV004992922.1).